The following is an entry in ClinVar:

NM_001382391.1(CSPP1):c.1210G>T (p.Val404Phe)

Gene: CSPP1 (centrosome and spindle pole associated protein 1; plus strand). Cytogenetic location: 8q13.2.
Variant type: single nucleotide variant.
Coding change: c.1210G>T on transcript NM_001382391.1 (MANE Select); coding-DNA position 1210, G replaced by T.
Protein change: p.Val404Phe; replaces valine 404 with phenylalanine.
Molecular consequence: missense variant.
Genome position (GRCh38, 1-based): chr8:67,113,827, G>T. VCF-style: chr8-67113827-G-T. GRCh37 (hg19) VCF-style: chr8-68026062-G-T.
Other names: c.355G>T, p.Val119Phe (NM_001291339.2); c.1129G>T, p.Val377Phe (NM_001363131.2, NM_001363133.2); c.1210G>T, p.Val404Phe (NM_001363132.2); c.1318G>T, p.Val440Phe (NM_001364869.1); c.1138G>T, p.Val380Phe (NM_001364870.1); c.1237G>T, p.Val413Phe (NM_024790.7); short protein forms V380F, V404F, V413F, V377F, V119F, V440F.
Identifiers: ClinVar variation 1924008 (VCV001924008.5), dbSNP rs1817374230, ClinGen allele CA371197630.

ClinVar aggregate classification (germline): Uncertain significance (1 of 4 stars; one submission).

Conditions:
Joubert syndrome 21 (JBTS21). Identifiers: MedGen C3810212, MONDO:0014288, OMIM 615636.

Submission:

Labcorp Genetics (formerly Invitae), Labcorp
Classification: Uncertain significance for Joubert syndrome 21. Last evaluated: 2021-12-27. Review status: criteria provided, single submitter. Criteria: Invitae Variant Classification Sherloc (09022015). Collection method: clinical testing. Allele origin: germline.
Comment: Algorithms developed to predict the effect of missense changes on protein structure and function are either unavailable or do not agree on the potential impact of this missense change (SIFT: "Deleterious"; PolyPhen-2: "Probably Damaging"; Align-GVGD: "Class C0"). This variant has not been reported in the literature in individuals affected with CSPP1-related conditions. This variant is not present in population databases (gnomAD no frequency). This sequence change replaces valine, which is neutral and non-polar, with phenylalanine, which is neutral and non-polar, at codon 413 of the CSPP1 protein (p.Val413Phe). In summary, the available evidence is currently insufficient to determine the role of this variant in disease. Therefore, it has been classified as a Variant of Uncertain Significance. Algorithms developed to predict the effect of sequence changes on RNA splicing suggest that this variant may create or strengthen a splice site.